The following is an entry in ClinVar:

NM_021076.4(NEFH):c.1808A>T (p.Lys603Met)

Gene: NEFH (neurofilament heavy chain; plus strand). Cytogenetic location: 22q12.2.
Variant type: single nucleotide variant.
Coding change: c.1808A>T on transcript NM_021076.4 (MANE Select); coding-DNA position 1808, A replaced by T.
Protein change: p.Lys603Met; replaces lysine 603 with methionine.
Molecular consequence: missense variant.
Genome position (GRCh38, 1-based): chr22:29,489,448, A>T. VCF-style: chr22-29489448-A-T. GRCh37 (hg19) VCF-style: chr22-29885437-A-T.
Other names: short protein forms K603M.
Identifiers: ClinVar variation 3637756 (VCV003637756.2).

ClinVar aggregate classification (germline): Uncertain significance (1 of 4 stars; one submission).

Submission:

Labcorp Genetics (formerly Invitae), Labcorp
Classification: Uncertain significance. Last evaluated: 2024-05-16. Review status: criteria provided, single submitter. Criteria: Invitae Variant Classification Sherloc (09022015). Collection method: clinical testing. Allele origin: germline.
Comment: This sequence change replaces lysine, which is basic and polar, with methionine, which is neutral and non-polar, at codon 603 of the NEFH protein (p.Lys603Met). This variant is not present in population databases (gnomAD no frequency). This variant has not been reported in the literature in individuals affected with NEFH-related conditions. Advanced modeling of protein sequence and biophysical properties (such as structural, functional, and spatial information, amino acid conservation, physicochemical variation, residue mobility, and thermodynamic stability) performed at Invitae indicates that this missense variant is not expected to disrupt NEFH protein function with a negative predictive value of 95%. In summary, the available evidence is currently insufficient to determine the role of this variant in disease. Therefore, it has been classified as a Variant of Uncertain Significance.